The following is an entry in ClinVar:

NM_001009944.3(PKD1):c.837G>A (p.Gly279=)

Gene: PKD1 (polycystin 1, transient receptor potential channel interacting; minus strand). Cytogenetic location: 16p13.3.
Variant type: single nucleotide variant.
Coding change: c.837G>A on transcript NM_001009944.3 (MANE Select); coding-DNA position 837, G replaced by A.
Protein change: p.Gly279=; no amino-acid change (glycine 279 retained).
Molecular consequence: synonymous variant.
Genome position (GRCh38, 1-based): chr16:2,118,155, C>T on the plus strand (G>A on the coding strand, the complement: PKD1 is on the minus strand). VCF-style: chr16-2118155-C-T. GRCh37 (hg19) VCF-style: chr16-2168156-C-T.
Other names: p.Gly279=; c.837G>A, p.Gly279= (NM_000296.4).
Identifiers: ClinVar variation 257019 (VCV000257019.20), dbSNP rs372124319, ClinGen allele CA7833657.
Genomic context (GRCh38, chr16:2,118,155, plus strand): 5'-AGGGAGCGGGGCAGCGATGTGGAAGGCTGCTAGCTGGCCAGAGGCCAGAGGTCCGTGGGG[C>T]CCCACCAGGGTGGCCCCTGGGGAGGCAGGGAAGACGTGCTGGAGGAGGGTGGGGCCCCTA-3'
Protein context (NP_001009944.3, residues 269-289): FPASPGATLV[Gly279=]PHGPLASGQL

ClinVar aggregate classification (germline): Benign. Review status: criteria provided, multiple submitters, no conflicts (2 of 4 stars). 7 submissions from 7 submitters: Benign (5). 2 of the submissions do not count toward it. Last evaluated 2024-10-31.

Conditions:
PKD1-related disorder. Also called: PKD1-related condition.
Polycystic kidney disease, adult type (PKD1). Also called: POLYCYSTIC KIDNEY DISEASE, ADULT, TYPE I; Polycystic Kidney Disease 1, Autosomal Dominant; Polycystic kidney disease 1; Polycystic kidney disease 1, severe; POLYCYSTIC KIDNEY DISEASE 1 WITH OR WITHOUT POLYCYSTIC LIVER DISEASE; Polycystic Kidney, Autosomal Dominant. Identifiers: MedGen C3149841, MONDO:0008263, OMIM 173900.
Polycystic kidney disease. Also called: Kidney, Polycystic; Polycystic kidney dysplasia. Identifiers: MedGen C0022680, MeSH D007690, MONDO:0020642, HP:0000113.

Allele frequency attached by ClinVar (database versions not stated): ESP Exome Variant Server 0.00017; gnomAD 0.00199 and 0.00210; TOPMed 0.00234; 1000 Genomes Project 0.00319; 1000 Genomes Project 30x 0.00328; ExAC 0.00523; gnomAD exomes 0.00575.
gnomAD v4.1: 2,139 of 1,581,796 alleles (0.14%); highest among the groups gnomAD compares: Admixed American, 3%; 28 homozygotes.

Submissions (7):

Mayo Clinic Laboratories, Mayo Clinic
Classification: Benign. Last evaluated: 2024-10-31. Review status: criteria provided, single submitter. Criteria: ACMG Guidelines, 2015. Collection method: clinical testing. Allele origin: germline. Observed: 4 variant alleles.
Comment: BS1, BS2, BP4, BP7

Fulgent Genetics
Classification: Benign for Polycystic kidney disease, adult type. Last evaluated: 2021-07-07. Review status: criteria provided, single submitter. Criteria: ACMG Guidelines, 2015. Collection method: clinical testing. Allele origin: unknown.

Athena Diagnostics
Classification: Benign. Last evaluated: 2020-08-27. Review status: criteria provided, single submitter. Criteria: Athena Diagnostics criteria. Collection method: clinical testing. Allele origin: unknown.

ARUP Laboratories, Molecular Genetics and Genomics, ARUP Laboratories
Classification: Benign for Polycystic kidney disease, adult type. Last evaluated: 2020-02-03. Review status: criteria provided, single submitter. Criteria: ARUP Molecular Germline Variant Investigation Process. Collection method: clinical testing. Allele origin: germline.

GeneDx
Classification: Benign. Last evaluated: 2020-01-15. Review status: criteria provided, single submitter. Criteria: GeneDx Variant Classification Process June 2021. Collection method: clinical testing. Allele origin: germline. Affected: yes.

PreventionGenetics, part of Exact Sciences
Classification: Benign for PKD1-related condition. Last evaluated: 2023-11-27. Review status: no assertion criteria provided. Collection method: clinical testing. Allele origin: germline. Not counted in ClinVar's aggregate classification.
Comment: This variant is classified as benign based on ACMG/AMP sequence variant interpretation guidelines (Richards et al. 2015 PMID: 25741868, with internal and published modifications).

Department of Pathology and Laboratory Medicine, Sinai Health System
Classification: Benign for Polycystic Kidney disease. Review status: no assertion criteria provided. Collection method: clinical testing. Allele origin: unknown. Affected: yes. Observed: 1 variant allele. Study: The Canadian Open Genetics Repository (COGR). Not counted in ClinVar's aggregate classification.
Comment: The PKD1 p.Gly279= variant was not identified in the literature nor was it identified in the LOVD 3.0 or PKD1-LOVD databases. The variant was identified in dbSNP (ID: rs372124319) as "With other allele", ClinVar (classified as benign by ARUP and Athena Diagnostics; as likely benign by Prevention Genetics), and in ADPKD Mutation Database (as Likely Neutral). The variant was identified in control databases in 1057 of 209002 chromosomes (16 homozygous) at a frequency of 0.005, increasing the likelihood this could be a low frequency benign variant (Genome Aggregation Database Feb 27, 2017). The variant was observed in the following populations: African in 5 of 18078 chromosomes (freq: 0.0003), Other in 32 of 5288 chromosomes (freq: 0.006), Latino in 989 of 27992 chromosomes (freq: 0.04), European in 4 of 90316 chromosomes (freq: 0.00004), East Asian in 25 of 14370 chromosomes (freq: 0.002), and South Asian in 2 of 26106 chromosomes (freq: 0.00008), while the variant was not observed in the Ashkenazi Jewish or Finnish populations. In addition, we cannot be certain that data from control databases is specific to PKD1 and not from one of the six PKD1 pseudogenes. The p.Gly279= variant is not expected to have clinical significance because it does not result in a change of amino acid and is not located in a known consensus splice site. However, 1 of 4 in silico or computational prediction software programs (SpliceSiteFinder, MaxEntScan, NNSPLICE, GeneSplicer) predicts a greater than 10% difference in splicing; this is not very predictive of pathogenicity. In summary, based on the above information, this variant meets our laboratory criteria to be classified as benign.